The following is an entry in ClinVar:

NM_001291303.3(FAT4):c.5555A>G (p.Glu1852Gly)

Gene: FAT4 (FAT atypical cadherin 4; plus strand). Cytogenetic location: 4q28.1.
Variant type: single nucleotide variant.
Coding change: c.5555A>G on transcript NM_001291303.3 (MANE Select); coding-DNA position 5555, A replaced by G.
Protein change: p.Glu1852Gly; replaces glutamic acid 1852 with glycine.
Molecular consequence: missense variant.
Genome position (GRCh38, 1-based): chr4:125,407,127, A>G. VCF-style: chr4-125407127-A-G. GRCh37 (hg19) VCF-style: chr4-126328282-A-G.
Other names: c.5555A>G, p.Glu1852Gly (NM_001291285.3, NM_024582.6); short protein forms E1852G.
Identifiers: ClinVar variation 3710652 (VCV003710652.2).

ClinVar aggregate classification (germline): Uncertain significance (1 of 4 stars; one submission).

gnomAD v4.1: 2 of 1,611,814 alleles (0.00012%); highest among the groups gnomAD compares: South Asian, 0.0011%; no homozygotes.

Submission:

Labcorp Genetics (formerly Invitae), Labcorp
Classification: Uncertain significance. Last evaluated: 2024-10-19. Review status: criteria provided, single submitter. Criteria: Invitae Variant Classification Sherloc (09022015). Collection method: clinical testing. Allele origin: germline.
Comment: This sequence change replaces glutamic acid, which is acidic and polar, with glycine, which is neutral and non-polar, at codon 1852 of the FAT4 protein (p.Glu1852Gly). This variant is not present in population databases (gnomAD no frequency). This variant has not been reported in the literature in individuals affected with FAT4-related conditions. Invitae Evidence Modeling of protein sequence and biophysical properties (such as structural, functional, and spatial information, amino acid conservation, physicochemical variation, residue mobility, and thermodynamic stability) indicates that this missense variant is expected to disrupt FAT4 protein function with a positive predictive value of 95%. In summary, the available evidence is currently insufficient to determine the role of this variant in disease. Therefore, it has been classified as a Variant of Uncertain Significance.